The following is an entry in ClinVar:

ClinVar aggregate classification (germline): Uncertain significance. Review status: criteria provided, multiple submitters, no conflicts (2 of 4 stars). 2 submissions from 2 submitters: Uncertain significance (2). Last evaluated 2024-08-06.

Conditions:
Hereditary cancer-predisposing syndrome. Also called: Tumor predisposition; Hereditary neoplastic syndrome; Hereditary Cancer Syndrome; Neoplastic Syndromes, Hereditary. Identifiers: Orphanet 140162, MedGen C0027672, MeSH D009386, MONDO:0015356.
Hereditary nonpolyposis colorectal neoplasms. Identifiers: MedGen C0009405, MeSH D003123.

Submissions (2):

Ambry Genetics
Classification: Uncertain significance for Hereditary cancer-predisposing syndrome. Last evaluated: 2024-08-06. Review status: criteria provided, single submitter. Criteria: Ambry Variant Classification Scheme 2023. Collection method: clinical testing. Allele origin: germline.
Comment: The p.I464M variant (also known as c.1392T>G), located in coding exon 4 of the MSH6 gene, results from a T to G substitution at nucleotide position 1392. The isoleucine at codon 464 is replaced by methionine, an amino acid with highly similar properties. This amino acid position is well conserved in available vertebrate species. In addition, the in silico prediction for this alteration is inconclusive. Since supporting evidence is limited at this time, the clinical significance of this alteration remains unclear.

Labcorp Genetics (formerly Invitae), Labcorp
Classification: Uncertain significance for Hereditary nonpolyposis colorectal neoplasms. Last evaluated: 2023-11-27. Review status: criteria provided, single submitter. Criteria: Invitae Variant Classification Sherloc (09022015). Collection method: clinical testing. Allele origin: germline.
Comment: This sequence change replaces isoleucine, which is neutral and non-polar, with methionine, which is neutral and non-polar, at codon 464 of the MSH6 protein (p.Ile464Met). This variant is not present in population databases (gnomAD no frequency). This variant has not been reported in the literature in individuals affected with MSH6-related conditions. ClinVar contains an entry for this variant (Variation ID: 1462303). Advanced modeling of protein sequence and biophysical properties (such as structural, functional, and spatial information, amino acid conservation, physicochemical variation, residue mobility, and thermodynamic stability) performed at Invitae indicates that this missense variant is not expected to disrupt MSH6 protein function with a negative predictive value of 95%. In summary, the available evidence is currently insufficient to determine the role of this variant in disease. Therefore, it has been classified as a Variant of Uncertain Significance.

NM_000179.3(MSH6):c.1392T>G (p.Ile464Met)

Gene: MSH6 (mutS homolog 6; plus strand). Cytogenetic location: 2p16.3.
Variant type: single nucleotide variant.
Coding change: c.1392T>G on transcript NM_000179.3 (MANE Select); coding-DNA position 1392, T replaced by G.
Protein change: p.Ile464Met; replaces isoleucine 464 with methionine.
Molecular consequence: missense variant.
Genome position (GRCh38, 1-based): chr2:47,799,375, T>G. VCF-style: chr2-47799375-T-G. GRCh37 (hg19) VCF-style: chr2-48026514-T-G.
Other names: c.1002T>G, p.Ile334Met (NM_001281492.2); c.486T>G, p.Ile162Met (NM_001281493.2, NM_001281494.2); short protein forms I464M, I162M, I334M.
Identifiers: ClinVar variation 1462303 (VCV001462303.11), dbSNP rs2104341006, ClinGen allele CA346745117.